The following is an entry in ClinVar:

NM_003748.4(ALDH4A1):c.648C>T (p.Gly216=)

Gene: ALDH4A1 (aldehyde dehydrogenase 4 family member A1; minus strand). Cytogenetic location: 1p36.13.
Variant type: single nucleotide variant.
Coding change: c.648C>T on transcript NM_003748.4 (MANE Select); coding-DNA position 648, C replaced by T.
Protein change: p.Gly216=; no amino-acid change (glycine 216 retained).
Molecular consequence: synonymous variant.
Genome position (GRCh38, 1-based): chr1:18,883,154, G>A on the plus strand (C>T on the coding strand, the complement: ALDH4A1 is on the minus strand). VCF-style: chr1-18883154-G-A. GRCh37 (hg19) VCF-style: chr1-19209648-G-A.
Other names: c.468C>T, p.Gly156= (NM_001161504.2); c.648C>T, p.Gly216= (NM_001319218.2, NM_170726.3).
Identifiers: ClinVar variation 294385 (VCV000294385.33), dbSNP rs139340058, ClinGen allele CA647286.
Genomic context (GRCh38, chr1:18,883,154, plus strand): 5'-GCCGCTGTCCCACCTGTGCCCACATCTCACCATCAGGGCCGGTGCCCCCGCCAGGTTGCC[G>A]CCGATTGCAGTGAAGTTAAAGGGCGAGATGGCCGCCACGAAGCCCTGGGGAAGGAGGCAG-3'
Protein context (NP_003739.2, residues 206-226): AISPFNFTAI[Gly216=]GNLAGAPALM

ClinVar aggregate classification (germline): Conflicting classifications of pathogenicity. Review status: criteria provided, conflicting classifications (1 of 4 stars). 4 submissions from 4 submitters: Uncertain significance (1); Benign (2); Likely benign (1). Last evaluated 2026-01-25.

Conditions:
Hyperprolinemia type 2 (HYRPRO2). Also called: Deficiency of pyrroline-5-carboxylate reductase; 1-PYRROLINE-5-CARBOXYLATE DEHYDROGENASE DEFICIENCY; Delta-1-pyrroline-5-carboxylate dehydrogenase deficiency. Identifiers: Orphanet 79101, MedGen C2931835, MONDO:0009401, OMIM 239510.

Allele frequency attached by ClinVar (database versions not stated): gnomAD exomes 0.00045 and 0.00112; ExAC 0.00143; gnomAD 0.00392 and 0.00417; TOPMed 0.00404; ESP Exome Variant Server 0.00431; 1000 Genomes Project 0.00479; 1000 Genomes Project 30x 0.00547.
gnomAD v4.1: 1,285 of 1,613,156 alleles (0.08%); highest among the groups gnomAD compares: African/African-American, 1.4%; 7 homozygotes.

Submissions (4):

Labcorp Genetics (formerly Invitae), Labcorp
Classification: Benign for Hyperprolinemia type 2. Last evaluated: 2026-01-25. Review status: criteria provided, single submitter. Criteria: Invitae Variant Classification Sherloc (09022015). Collection method: clinical testing. Allele origin: germline.

Blueprint Genetics
Classification: Likely benign. Last evaluated: 2024-11-14. Review status: criteria provided, single submitter. Criteria: ACMG Guidelines, 2015. Collection method: clinical testing. Allele origin: germline.

CeGaT Center for Human Genetics Tuebingen
Classification: Benign. Last evaluated: 2024-07-01. Review status: criteria provided, single submitter. Criteria: CeGaT Center For Human Genetics Tuebingen Variant Classification Criteria Version 2. Collection method: clinical testing. Allele origin: germline. Affected: yes. Observed: 1 variant allele.
Comment: ALDH4A1: BP4, BP7, BS1, BS2

Illumina Laboratory Services, Illumina
Classification: Uncertain significance for Hyperprolinemia type 2. Last evaluated: 2018-01-12. Review status: criteria provided, single submitter. Criteria: ICSL Variant Classification Criteria 13 December 2019. Collection method: clinical testing. Allele origin: germline.